The following is an entry in ClinVar:

ClinVar aggregate classification (germline): Uncertain significance (1 of 4 stars; one submission).

Conditions:
Cardiovascular phenotype. Identifiers: MedGen CN230736.

Submission:

Ambry Genetics
Classification: Uncertain significance for Cardiovascular phenotype. Last evaluated: 2025-07-12. Review status: criteria provided, single submitter. Criteria: Ambry Variant Classification Scheme 2023. Collection method: clinical testing. Allele origin: germline.
Comment: The p.L573F variant (also known as c.1717C>T), located in coding exon 6 of the KCND3 gene, results from a C to T substitution at nucleotide position 1717. The leucine at codon 573 is replaced by phenylalanine, an amino acid with highly similar properties. This amino acid position is conserved. In addition, this alteration is predicted to be deleterious by in silico analysis. Based on the available evidence, the clinical significance of this variant remains unclear.

NM_001378969.1(KCND3):c.1717C>T (p.Leu573Phe)

Gene: KCND3 (potassium voltage-gated channel subfamily D member 3; minus strand). Cytogenetic location: 1p13.2.
Variant type: single nucleotide variant.
Coding change: c.1717C>T on transcript NM_001378969.1 (MANE Select); coding-DNA position 1717, C replaced by T.
Protein change: p.Leu573Phe; replaces leucine 573 with phenylalanine.
Molecular consequence: missense variant.
Genome position (GRCh38, 1-based): chr1:111,777,075, G>A on the plus strand (C>T on the coding strand, the complement: KCND3 is on the minus strand). VCF-style: chr1-111777075-G-A. GRCh37 (hg19) VCF-style: chr1-112319697-G-A.
Other names: c.1660C>T, p.Leu554Phe (NM_001378970.1, NM_172198.3); c.1717C>T, p.Leu573Phe (NM_004980.5); short protein forms L554F, L573F.
Identifiers: ClinVar variation 4090215 (VCV004090215.1).